The following is an entry in ClinVar:

NM_001042492.3(NF1):c.1817G>T (p.Cys606Phe)

Gene: NF1 (neurofibromin 1; plus strand). Cytogenetic location: 17q11.2.
Variant type: single nucleotide variant.
Coding change: c.1817G>T on transcript NM_001042492.3 (MANE Select); coding-DNA position 1817, G replaced by T.
Protein change: p.Cys606Phe; replaces cysteine 606 with phenylalanine.
Molecular consequence: missense variant.
Genome position (GRCh38, 1-based): chr17:31,223,539, G>T. VCF-style: chr17-31223539-G-T. GRCh37 (hg19) VCF-style: chr17-29550557-G-T.
Other names: c.1817G>T, p.Cys606Phe (NM_000267.4); short protein forms C606F.
Identifiers: ClinVar variation 1720154 (VCV001720154.8), dbSNP rs2144016973, ClinGen allele CA399004540.

ClinVar aggregate classification (germline): Uncertain significance. Review status: criteria provided, multiple submitters, no conflicts (2 of 4 stars). 2 submissions from 2 submitters: Uncertain significance (2). Last evaluated 2024-02-20.

Conditions:
Neurofibromatosis, type 1 (NF1). Also called: Peripheral type neurofibromatosis; VON RECKLINGHAUSEN DISEASE; NEUROFIBROMATOSIS, TYPE I, SOMATIC; Neurofibromatosis, type I. Identifiers: Orphanet 636, MedGen C0027831, MONDO:0018975, OMIM 162200. Disease mechanism: loss of function.
Cardiovascular phenotype. Identifiers: MedGen CN230736.
Hereditary cancer-predisposing syndrome. Also called: Hereditary neoplastic syndrome; Tumor predisposition; Neoplastic Syndromes, Hereditary; Hereditary Cancer Syndrome. Identifiers: Orphanet 140162, MedGen C0027672, MeSH D009386, MONDO:0015356.

Submissions (2):

Labcorp Genetics (formerly Invitae), Labcorp
Classification: Uncertain significance for Neurofibromatosis, type 1. Last evaluated: 2024-02-20. Review status: criteria provided, single submitter. Criteria: Invitae Variant Classification Sherloc (09022015). Collection method: clinical testing. Allele origin: germline.
Comment: This sequence change replaces cysteine, which is neutral and slightly polar, with phenylalanine, which is neutral and non-polar, at codon 606 of the NF1 protein (p.Cys606Phe). This variant is not present in population databases (gnomAD no frequency). This variant has not been reported in the literature in individuals affected with NF1-related conditions. ClinVar contains an entry for this variant (Variation ID: 1720154). Advanced modeling of protein sequence and biophysical properties (such as structural, functional, and spatial information, amino acid conservation, physicochemical variation, residue mobility, and thermodynamic stability) performed at Invitae indicates that this missense variant is expected to disrupt NF1 protein function with a positive predictive value of 95%. In summary, the available evidence is currently insufficient to determine the role of this variant in disease. Therefore, it has been classified as a Variant of Uncertain Significance.

Ambry Genetics
Classification: Uncertain significance for Cardiovascular phenotype; Hereditary cancer-predisposing syndrome. Last evaluated: 2020-07-23. Review status: criteria provided, single submitter. Criteria: Ambry Variant Classification Scheme 2023. Collection method: clinical testing. Allele origin: germline.
Comment: The p.C606F variant (also known as c.1817G>T), located in coding exon 16 of the NF1 gene, results from a G to T substitution at nucleotide position 1817. The cysteine at codon 606 is replaced by phenylalanine, an amino acid with highly dissimilar properties. This amino acid position is highly conserved in available vertebrate species. In addition, this alteration is predicted to be deleterious by in silico analysis. Since supporting evidence is limited at this time, the clinical significance of this alteration remains unclear.